The following is an entry in ClinVar:

ClinVar aggregate classification (germline): Uncertain significance (1 of 4 stars; one submission).

Allele frequency attached by ClinVar (database versions not stated): gnomAD exomes below 0.00001; TOPMed below 0.00001; gnomAD 0.00001.

Submission:

Labcorp Genetics (formerly Invitae), Labcorp
Classification: Uncertain significance. Last evaluated: 2022-02-28. Review status: criteria provided, single submitter. Criteria: Invitae Variant Classification Sherloc (09022015). Collection method: clinical testing. Allele origin: germline.
Comment: In summary, the available evidence is currently insufficient to determine the role of this variant in disease. Therefore, it has been classified as a Variant of Uncertain Significance. Algorithms developed to predict the effect of missense changes on protein structure and function are either unavailable or do not agree on the potential impact of this missense change (SIFT: "Tolerated"; PolyPhen-2: "Probably Damaging"; Align-GVGD: "Class C0"). This variant has not been reported in the literature in individuals affected with SPPL2A-related conditions. This variant is present in population databases (no rsID available, gnomAD 0.3%). This sequence change replaces valine, which is neutral and non-polar, with alanine, which is neutral and non-polar, at codon 88 of the SPPL2A protein (p.Val88Ala).

NM_032802.4(SPPL2A):c.263T>C (p.Val88Ala)

Gene: SPPL2A (signal peptide peptidase like 2A; minus strand). Cytogenetic location: 15q21.2.
Variant type: single nucleotide variant.
Coding change: c.263T>C on transcript NM_032802.4 (MANE Select); coding-DNA position 263, T replaced by C.
Protein change: p.Val88Ala; replaces valine 88 with alanine.
Molecular consequence: missense variant.
Genome position (GRCh38, 1-based): chr15:50,748,785, A>G on the plus strand (T>C on the coding strand, the complement: SPPL2A is on the minus strand). VCF-style: chr15-50748785-A-G. GRCh37 (hg19) VCF-style: chr15-51040982-A-G.
Other names: short protein forms V88A.
Identifiers: ClinVar variation 1523435 (VCV001523435.6), dbSNP rs932996357, ClinGen allele CA270520545.